The following is an entry in ClinVar:

ClinVar aggregate classification (germline): Likely benign. Review status: criteria provided, multiple submitters, no conflicts (2 of 4 stars). 2 submissions from 2 submitters: Likely benign (2). Last evaluated 2024-06-16.

Allele frequency attached by ClinVar (database versions not stated): ESP Exome Variant Server 0.00049.
gnomAD v4.1: 625 of 1,613,774 alleles (0.039%); highest among the groups gnomAD compares: Non-Finnish European, 0.047%; no homozygotes.

Submissions (2):

Ambry Genetics
Classification: Likely benign. Last evaluated: 2024-06-16. Review status: criteria provided, single submitter. Criteria: Ambry Variant Classification Scheme 2023. Collection method: clinical testing. Allele origin: germline.

CeGaT Center for Human Genetics Tuebingen
Classification: Likely benign. Last evaluated: 2022-04-01. Review status: criteria provided, single submitter. Criteria: CeGaT Center For Human Genetics Tuebingen Variant Classification Criteria Version 2. Collection method: clinical testing. Allele origin: germline. Affected: yes. Observed: 1 variant allele.
Comment: CLEC16A: BP4, BP7

NM_015226.3(CLEC16A):c.93C>T (p.His31=)

Gene: CLEC16A (C-type lectin domain containing 16A; plus strand). Cytogenetic location: 16p13.13.
Variant type: single nucleotide variant.
Coding change: c.93C>T on transcript NM_015226.3 (MANE Select); coding-DNA position 93, C replaced by T.
Protein change: p.His31=; no amino-acid change (histidine 31 retained).
Molecular consequence: synonymous variant.
Genome position (GRCh38, 1-based): chr16:10,957,794, C>T. VCF-style: chr16-10957794-C-T. GRCh37 (hg19) VCF-style: chr16-11051651-C-T.
Other names: c.93C>T, p.His31= (NM_001243403.2, NM_001410905.1); c.93C>T (NM_015226.2).
Identifiers: ClinVar variation 2646206 (VCV002646206.25), dbSNP rs199548274, ClinGen allele CA7900962.